The following is an entry in ClinVar:

ClinVar aggregate classification (germline): Conflicting classifications of pathogenicity. Review status: criteria provided, conflicting classifications (1 of 4 stars). 5 submissions from 5 submitters: Uncertain significance (4); Likely benign (1). Last evaluated 2026-03-21.

Conditions:
CNNM4-related disorder. Also called: CNNM4-related condition.
Inborn genetic diseases. Identifiers: MedGen C0950123, MeSH D030342.

Allele frequency attached by ClinVar (database versions not stated): gnomAD exomes 0.00013 and 0.00020; ESP Exome Variant Server 0.00015; ExAC 0.00016; TOPMed 0.00016; gnomAD 0.00019; 1000 Genomes Project 0.00020; 1000 Genomes Project 30x 0.00031.
gnomAD v4.1: 321 of 1,614,166 alleles (0.02%); highest among the groups gnomAD compares: Non-Finnish European, 0.026%; no homozygotes.

Submissions (5):

PreventionGenetics, part of Exact Sciences
Classification: Uncertain significance for CNNM4-related condition. Last evaluated: 2026-03-21. Review status: criteria provided, single submitter. Criteria: ACMG Guidelines, 2015. Collection method: clinical testing. Allele origin: germline.
Comment: The CNNM4 c.2255T>G variant is predicted to result in the amino acid substitution p.Val752Gly. To our knowledge, this variant has not been reported in the literature. This variant is present in 0.028% of alleles in individuals of African descent in gnomAD. At this time, the clinical significance of this variant is uncertain due to the absence of conclusive functional and genetic evidence.

Ambry Genetics
Classification: Uncertain significance for Inborn genetic diseases. Last evaluated: 2024-11-13. Review status: criteria provided, single submitter. Criteria: Ambry Variant Classification Scheme 2023. Collection method: clinical testing. Allele origin: germline.

Labcorp Genetics (formerly Invitae), Labcorp
Classification: Uncertain significance. Last evaluated: 2022-11-01. Review status: criteria provided, single submitter. Criteria: Invitae Variant Classification Sherloc (09022015). Collection method: clinical testing. Allele origin: germline.
Comment: This sequence change replaces valine, which is neutral and non-polar, with glycine, which is neutral and non-polar, at codon 752 of the CNNM4 protein (p.Val752Gly). This variant is present in population databases (rs200775112, gnomAD 0.02%). This variant has not been reported in the literature in individuals affected with CNNM4-related conditions. ClinVar contains an entry for this variant (Variation ID: 337594). Algorithms developed to predict the effect of missense changes on protein structure and function (SIFT, PolyPhen-2, Align-GVGD) all suggest that this variant is likely to be tolerated. In summary, the available evidence is currently insufficient to determine the role of this variant in disease. Therefore, it has been classified as a Variant of Uncertain Significance.

Blueprint Genetics
Classification: Likely benign. Last evaluated: 2022-09-25. Review status: criteria provided, single submitter. Criteria: ACMG Guidelines, 2015. Collection method: clinical testing. Allele origin: germline.

GeneDx
Classification: Uncertain significance. Last evaluated: 2017-09-26. Review status: criteria provided, single submitter. Criteria: GeneDx Variant Classification (06012015). Collection method: clinical testing. Allele origin: germline. Affected: yes.
Comment: The V752G variant in the CNNM4 gene has not been reported previously as a pathogenic variant, nor as a benign variant, to our knowledge. The V752G variant is observed in 6/24030 (0.025%) alleles from individuals of African background, in the ExAC dataset, and no individuals are reported to be homozygous (Lek et al., 2016). The V752G variant is a conservative amino acid substitution, which is not likely to impact secondary protein structure as these residues share similar properties. This substitution occurs at a position that is not conserved. In silico analysis predicts this variant likely does not alter the protein structure/function. We interpret V752G as a variant of uncertain significance.

NM_020184.4(CNNM4):c.2255T>G (p.Val752Gly)

Gene: CNNM4 (cyclin and CBS domain divalent metal cation transport mediator 4; plus strand). Cytogenetic location: 2q11.2.
Variant type: single nucleotide variant.
Coding change: c.2255T>G on transcript NM_020184.4 (MANE Select); coding-DNA position 2255, T replaced by G.
Protein change: p.Val752Gly; replaces valine 752 with glycine.
Molecular consequence: missense variant.
Genome position (GRCh38, 1-based): chr2:96,809,444, T>G. VCF-style: chr2-96809444-T-G. GRCh37 (hg19) VCF-style: chr2-97475181-T-G.
Other names: short protein forms V752G.
Identifiers: ClinVar variation 337594 (VCV000337594.14), dbSNP rs200775112, ClinGen allele CA1783625.